The following is an entry in ClinVar:

NM_014875.3(KIF14):c.1734_1746+49del

Gene: KIF14 (kinesin family member 14; minus strand). Cytogenetic location: 1q32.1.
Variant type: Deletion.
Coding change: c.1734_1746+49del on transcript NM_014875.3 (MANE Select); coding-DNA position 1734 through 49 bases into the intron after coding-DNA position 1746, 62 bases deleted.
Molecular consequence: splice donor variant.
Genome position (GRCh38, 1-based): chr1:200,605,234-200,605,295, 62 bases deleted. GRCh37 (hg19): chr1:200,574,383-200,574,444.
Other names: c.261_273+49del (NM_001305792.1).
Identifiers: ClinVar variation 1518661 (VCV001518661.6), dbSNP rs1558085343, ClinGen allele CA1317724.

ClinVar aggregate classification (germline): Likely pathogenic (1 of 4 stars; one submission).

Submission:

Labcorp Genetics (formerly Invitae), Labcorp
Classification: Likely pathogenic. Last evaluated: 2023-10-24. Review status: criteria provided, single submitter. Criteria: Invitae Variant Classification Sherloc (09022015). Collection method: clinical testing. Allele origin: germline.
Comment: This variant results in the deletion of part of exon 8 (c.1734_1746+49del) of the KIF14 gene. It is expected to disrupt RNA splicing. Variants that disrupt the donor or acceptor splice site typically lead to a loss of protein function (PMID: 16199547), and loss-of-function variants in KIF14 are known to be pathogenic (PMID: 23308235, 29343805, 30388224). This variant is present in population databases (no rsID available, gnomAD 0.07%). This variant has not been reported in the literature in individuals affected with KIF14-related conditions. ClinVar contains an entry for this variant (Variation ID: 1518661). In summary, the currently available evidence indicates that the variant is pathogenic, but additional data are needed to prove that conclusively. Therefore, this variant has been classified as Likely Pathogenic.

Literature cited by the submitters: PubMed 16199547; PubMed 23308235; PubMed 29343805; PubMed 30388224.